The following is an entry in ClinVar:

NM_000535.7(PMS2):c.487T>G (p.Phe163Val)

Gene: PMS2 (PMS1 homolog 2, mismatch repair system component; minus strand). Cytogenetic location: 7p22.1.
Variant type: single nucleotide variant.
Coding change: c.487T>G on transcript NM_000535.7 (MANE Select); coding-DNA position 487, T replaced by G.
Protein change: p.Phe163Val; replaces phenylalanine 163 with valine.
Molecular consequence: missense variant. On other transcripts: non-coding transcript variant (1), intron variant (1), 5 prime UTR variant (2).
Genome position (GRCh38, 1-based): chr7:6,002,503, A>C on the plus strand (T>G on the coding strand, the complement: PMS2 is on the minus strand). VCF-style: chr7-6002503-A-C. GRCh37 (hg19) VCF-style: chr7-6042134-A-C.
Other names: c.82T>G, p.Phe28Val (NM_001406904.1, NM_001406905.1, NM_001406906.1 and 24 more transcripts); c.487T>G, p.Phe163Val (NM_001406912.1, NM_001322006.2, NM_001322014.2 and 8 more transcripts); c.250+1469T>G (NM_001406885.1); c.169T>G, p.Phe57Val (NM_001322007.2, NM_001322008.2, NM_001406901.1 and 4 more transcripts); c.-398T>G (NM_001322011.2, NM_001322012.2); c.178T>G, p.Phe60Val (NM_001322015.2, NM_001406875.1, NM_001406900.1 and 6 more transcripts); c.673T>G, p.Phe225Val (NM_001406866.1); c.511T>G, p.Phe171Val (NM_001406868.1); short protein forms F57V, F60V, F163V, F171V, F225V, F28V.
Identifiers: ClinVar variation 3667095 (VCV003667095.2).
Genomic context (GRCh38, chr7:6,002,503, plus strand): 5'-TTTACTGTACCTTCTTAATATTCCTTTGAAATTCCTTATGGCGCACAGGTAGTGTGGAAA[A>C]TAACTGCTGCACGCTGACTGTGGTCCCTCTGGGGCGGGGGTAGGGGGTTTTCTGGATAAT-3'
Protein context (NP_000526.2, residues 153-173): RGTTVSVQQL[Phe163Val]STLPVRHKEF

ClinVar aggregate classification (germline): Uncertain significance (1 of 4 stars; one submission).

Conditions:
Hereditary nonpolyposis colorectal neoplasms. Identifiers: MedGen C0009405, MeSH D003123.

Submission:

Labcorp Genetics (formerly Invitae), Labcorp
Classification: Uncertain significance for Hereditary nonpolyposis colorectal neoplasms. Last evaluated: 2025-01-11. Review status: criteria provided, single submitter. Criteria: Invitae Variant Classification Sherloc (09022015). Collection method: clinical testing. Allele origin: germline.
Comment: This sequence change replaces phenylalanine, which is neutral and non-polar, with valine, which is neutral and non-polar, at codon 163 of the PMS2 protein (p.Phe163Val). This variant is not present in population databases (gnomAD no frequency). This variant has not been reported in the literature in individuals affected with PMS2-related conditions. Invitae Evidence Modeling of protein sequence and biophysical properties (such as structural, functional, and spatial information, amino acid conservation, physicochemical variation, residue mobility, and thermodynamic stability) indicates that this missense variant is expected to disrupt PMS2 protein function with a positive predictive value of 80%. In summary, the available evidence is currently insufficient to determine the role of this variant in disease. Therefore, it has been classified as a Variant of Uncertain Significance.